The following is an entry in ClinVar:

NM_000289.6(PFKM):c.631dup (p.His211fs)

Gene: PFKM (phosphofructokinase, muscle; plus strand). Cytogenetic location: 12q13.11.
Variant type: Duplication.
Coding change: c.631dup on transcript NM_000289.6 (MANE Select); coding-DNA position 631, one base duplicated (C; older notation c.631dupC).
Protein change: p.His211fs; shifts the reading frame from histidine 211.
Molecular consequence: frameshift variant. On other transcripts: non-coding transcript variant (6).
Genome position (GRCh38, 1-based): chr12:48,134,269, C duplicated; the last of 2 consecutive C bases (chr12:48,134,268-48,134,269); duplicating either gives the same sequence. VCF-style (leftmost placement, unchanged base first): chr12-48134267-G-GC. GRCh37 (hg19) VCF-style: chr12-48528050-G-GC.
Other names: c.844dup, p.His282fs (NM_001166686.2, NM_001354737.1, NM_001354738.1 and 1 more transcripts); c.631dup, p.His211fs (NM_001166687.2, NM_001166688.2, NM_001354742.2 and 4 more transcripts); c.940dup, p.His314fs (NM_001354735.1, NM_001354736.1); c.775dup, p.His259fs (NM_001354740.1); c.655dup, p.His219fs (NM_001354741.2); c.544dup, p.His182fs (NM_001354745.2); c.481dup, p.His161fs (NM_001354747.2, NM_001354748.2); short protein forms H161fs, H182fs, H211fs, H219fs, H259fs, H282fs, H314fs.
Identifiers: ClinVar variation 1726159 (VCV001726159.2), dbSNP rs2498345175, ClinGen allele CA2580085501.

ClinVar aggregate classification (germline): Likely pathogenic (1 of 4 stars; one submission).

Conditions:
Glycogen storage disease, type VII (GSD7). Also called: PFKM DEFICIENCY; TARUI DISEASE; GSD VII; MUSCLE PHOSPHOFRUCTOKINASE DEFICIENCY. Identifiers: Orphanet 371, MedGen C0017926, MONDO:0009295, OMIM 232800.

Submission:

Myriad Genetics, Inc.
Classification: Likely pathogenic for Glycogen storage disease, type VII. Last evaluated: 2022-05-18. Review status: criteria provided, single submitter. Criteria: Myriad Women's Health Autosomal Recessive and X-Linked Classification Criteria (2021). Collection method: clinical testing. Allele origin: unknown.
Comment: NM_001166686.1(PFKM):c.844dupC(H282Pfs*22) is expected to be pathogenic in the context of glycogen storage disease type VII. This variant is predicted to lead to an abnormal or absent protein product due to the creation of a premature termination codon in PFKM, a gene where loss-of-function variants are known to be pathogenic. Please note: this variant was assessed in the context of healthy population screening.